The following is an entry in ClinVar:

ClinVar aggregate classification (germline): Benign (0 of 4 stars; one submission).

Conditions:
MARCHF10-related disorder. Also called: MARCHF10-related condition.

Allele frequency attached by ClinVar (database versions not stated): gnomAD exomes 0.00176; ExAC 0.00560; gnomAD 0.01566; ESP Exome Variant Server 0.01791; TOPMed 0.01835; 1000 Genomes Project 0.02057; 1000 Genomes Project 30x 0.02155.
gnomAD v4.1: 5,136 of 1,614,182 alleles (0.32%); highest among the groups gnomAD compares: African/African-American, 5.5%; 114 homozygotes.

Submission:

PreventionGenetics, part of Exact Sciences
Classification: Benign for MARCHF10-related condition. Last evaluated: 2019-03-20. Review status: no assertion criteria provided. Collection method: clinical testing. Allele origin: germline.
Comment: This variant is classified as benign based on ACMG/AMP sequence variant interpretation guidelines (Richards et al. 2015 PMID: 25741868, with internal and published modifications).

NM_152598.4(MARCHF10):c.1285C>T (p.His429Tyr)

Genes: MARCHF10 (membrane associated ring-CH-type finger 10; minus strand), MARCHF10-AS1 (MARCHF10 antisense RNA 1; plus strand). Cytogenetic location: 17q23.2.
Variant type: single nucleotide variant.
Coding change: c.1285C>T on transcript NM_152598.4 (MANE Select); coding-DNA position 1285, C replaced by T.
Protein change: p.His429Tyr; replaces histidine 429 with tyrosine.
Molecular consequence: missense variant. On other transcripts: non-coding transcript variant (1).
Genome position (GRCh38, 1-based): chr17:62,736,583, G>A on the plus strand (C>T on the coding strand, the complement: MARCHF10 is on the minus strand). VCF-style: chr17-62736583-G-A. GRCh37 (hg19) VCF-style: chr17-60813944-G-A.
Other names: c.1285C>T, p.His429Tyr (NM_001100875.3); c.1399C>T, p.His467Tyr (NM_001288779.2); c.1282C>T, p.His428Tyr (NM_001288780.2); short protein forms H428Y, H429Y, H467Y.
Identifiers: ClinVar variation 3056772 (VCV003056772.2), dbSNP rs60472825, ClinGen allele CA8696819.